The following is an entry in ClinVar:

ClinVar aggregate classification (germline): Uncertain significance (1 of 4 stars; one submission).

gnomAD v4.1: 1 of 1,609,762 alleles (0.000062%); highest among the groups gnomAD compares: Non-Finnish European, 0.000085%; no homozygotes.

Submission:

Ambry Genetics
Classification: Uncertain significance. Last evaluated: 2025-07-30. Review status: criteria provided, single submitter. Criteria: Ambry Variant Classification Scheme 2023. Collection method: clinical testing. Allele origin: germline.
Comment: The p.P52L variant (also known as c.155C>T), located in coding exon 1 of the TMPO gene, results from a C to T substitution at nucleotide position 155. The proline at codon 52 is replaced by leucine, an amino acid with similar properties. This amino acid position is conserved. In addition, this alteration is predicted to be tolerated by in silico analysis. Based on the available evidence, the clinical significance of this variant remains unclear.

NM_001032283.3(TMPO):c.155C>T (p.Pro52Leu)

Genes: TMPO (thymopoietin; plus strand), TMPO-AS1 (TMPO antisense RNA 1; minus strand). Cytogenetic location: 12q23.1.
Variant type: single nucleotide variant.
Coding change: c.155C>T on transcript NM_001032283.3 (MANE Select); coding-DNA position 155, C replaced by T.
Protein change: p.Pro52Leu; replaces proline 52 with leucine.
Molecular consequence: missense variant. On other transcripts: non-coding transcript variant (1).
Genome position (GRCh38, 1-based): chr12:98,516,022, C>T. VCF-style: chr12-98516022-C-T. GRCh37 (hg19) VCF-style: chr12-98909800-C-T.
Other names: c.155C>T, p.Pro52Leu (NM_001032284.3, NM_001307975.2, NM_003276.2); short protein forms P52L.
Identifiers: ClinVar variation 4187420 (VCV004187420.1).
Genomic context (GRCh38, chr12:98,516,022, plus strand): 5'-AGCGCAAAGACGTGTACGTCCAGCTCTACCTGCAGCACCTCACGGCTCGCAACCGGCCGC[C>T]GCTCCCCGCCGGCACCAACAGCAAGGGGCCCCCGGACTTCTCCAGTGACGAAGAGCGCGA-3'
Protein context (NP_001027454.1, residues 42-62): LQHLTARNRP[Pro52Leu]LPAGTNSKGP